The following is an entry in ClinVar:

NM_022489.4(INF2):c.233T>C (p.Leu78Pro)

Gene: INF2 (inverted formin 2; plus strand). Cytogenetic location: 14q32.33.
Variant type: single nucleotide variant.
Coding change: c.233T>C on transcript NM_022489.4 (MANE Select); coding-DNA position 233, T replaced by C.
Protein change: p.Leu78Pro; replaces leucine 78 with proline.
Molecular consequence: missense variant. On other transcripts: non-coding transcript variant (1).
Genome position (GRCh38, 1-based): chr14:104,701,598, T>C. VCF-style: chr14-104701598-T-C. GRCh37 (hg19) VCF-style: chr14-105167935-T-C.
Other names: c.233T>C, p.Leu78Pro (NM_001031714.4, NM_001426862.1, NM_001426863.1 and 6 more transcripts); c.233T>C (NM_022489.3); short protein forms L78P.
Identifiers: ClinVar variation 4849985 (VCV004849985.3).

ClinVar aggregate classification (germline): Likely pathogenic. Review status: criteria provided, multiple submitters, no conflicts (2 of 4 stars). 3 submissions from 3 submitters: Likely pathogenic (3). Last evaluated 2026-02-13.

Conditions:
Autosomal dominant INF2-related disorders.
INF2-related disorder. Also called: INF2-related condition.

Submissions (3):

GeneDx
Classification: Likely pathogenic. Last evaluated: 2026-02-13. Review status: criteria provided, single submitter. Criteria: GeneDx Variant Classification Process June 2021. Collection method: clinical testing. Allele origin: germline.
Comment: Not observed at significant frequency in large population cohorts (gnomAD); In silico analysis supports that this missense variant has a deleterious effect on protein structure/function; This variant is associated with the following publications: (PMID: 22965130, 41253107, 36637069, 27549087, 33057194, 35982159)

Variantyx, Inc.
Classification: Likely pathogenic for Autosomal dominant INF2-related disorders. Last evaluated: 2025-12-17. Review status: criteria provided, single submitter. Criteria: Variantyx Assertion Criteria 2022. Collection method: clinical testing. Allele origin: germline. Inheritance: Autosomal dominant inheritance. Affected: yes.
Comment: This is a nonsynonymous variant in the INF2 gene (OMIM: 610982). Pathogenic variants in this gene have been associated with autosomal dominant INF2-related disorders. This variant has been reported in at least two affected individuals (PMID: 27549087, 36637069) (PS4). This variant lies within a known hotspot for pathogenic variants or a well-established critical functional domain of the INF2 protein (PMID: 23014460) (PM1) and multiple computational algorithms predict a deleterious effect for this variant (REVEL score: 0.834) (PP3). This variant is absent from control populations (PM2). Based on the current evidence, this variant is classified as likely pathogenic for autosomal dominant INF2-related disorders.

Blueprint Genetics
Classification: Likely pathogenic for INF2-related disorders. Last evaluated: 2019-07-05. Review status: criteria provided, single submitter. Criteria: ACMG Guidelines, 2015. Collection method: clinical testing. Allele origin: germline. Affected: yes. Observed: 1 variant allele.

Literature cited by the submitters: PubMed 27549087 (cited by Variantyx, Inc.); PubMed 36637069 (cited by Variantyx, Inc.).